The following is an entry in ClinVar:

NM_004863.4(SPTLC2):c.*3612T>A

Gene: SPTLC2 (serine palmitoyltransferase long chain base subunit 2; minus strand). Cytogenetic location: 14q24.3.
Variant type: single nucleotide variant.
Coding change: c.*3612T>A on transcript NM_004863.4 (MANE Select); 3612 bases downstream of the stop codon, T replaced by A.
Molecular consequence: 3 prime UTR variant.
Genome position (GRCh38, 1-based): chr14:77,508,672, A>T on the plus strand (T>A on the coding strand, the complement: SPTLC2 is on the minus strand). VCF-style: chr14-77508672-A-T. GRCh37 (hg19) VCF-style: chr14-77975015-A-T.
Identifiers: ClinVar variation 314604 (VCV000314604.6), dbSNP rs2364160, ClinGen allele CA10635416.

ClinVar aggregate classification (germline): Benign. Review status: criteria provided, multiple submitters, no conflicts (2 of 4 stars). 2 submissions from 2 submitters: Benign (2). Last evaluated 2018-01-13.

Conditions:
Neuropathy, hereditary sensory and autonomic, type 1C. Also called: HSAN IC; HSN IC. Identifiers: Orphanet 36386, MedGen C3150896, MONDO:0013337, OMIM 613640.

Allele frequency attached by ClinVar (database versions not stated): 1000 Genomes Project 30x 0.94566; 1000 Genomes Project 0.94748; TOPMed 0.95260; gnomAD 0.95467 and 0.95793; gnomAD exomes 1.00000.
gnomAD v4.1: 145,977 of 152,326 alleles (96%); highest among the groups gnomAD compares: East Asian, 100%; 70,259 homozygotes.

Submissions (2):

Illumina Laboratory Services, Illumina
Classification: Benign for Neuropathy, hereditary sensory and autonomic, type 1C. Last evaluated: 2018-01-13. Review status: criteria provided, single submitter. Criteria: ICSL Variant Classification Criteria 13 December 2019. Collection method: clinical testing. Allele origin: germline.
Comment: This variant was observed in the ICSL laboratory as part of a predisposition screen in an ostensibly healthy population. It had not been previously curated by ICSL or reported in the Human Gene Mutation Database (HGMD: prior to June 1st, 2018), and was therefore a candidate for classification through an automated scoring system. Utilizing variant allele frequency, disease prevalence and penetrance estimates, and inheritance mode, an automated score was calculated to assess if this variant is too frequent to cause the disease. Based on the score and internal cut-off values, a variant classified as benign is not then subjected to further curation. The score for this variant resulted in a classification of benign for this disease.

Breakthrough Genomics
Classification: Benign. Review status: criteria provided, single submitter. Criteria: ACMG Guidelines, 2015. Collection method: not provided. Allele origin: germline. Inheritance: Autosomal dominant inheritance. Affected: yes.